The following is an entry in ClinVar:

ClinVar aggregate classification (germline): Benign. Review status: criteria provided, single submitter (1 of 4 stars). 3 submissions from 1 submitter: Benign (3). Last evaluated 2018-01-13.

Conditions:
Myhre syndrome (MYHRS). Also called: LARYNGOTRACHEAL STENOSIS, ARTHROPATHY, PROGNATHISM, AND SHORT STATURE; LAPS SYNDROME. Identifiers: Orphanet 2588, MedGen C0796081, MONDO:0007688, OMIM 139210.
Generalized juvenile polyposis/juvenile polyposis coli. Also called: Juvenile polyposis coli. Identifiers: Orphanet 329971, MedGen C1868081, MONDO:0008276.
Juvenile polyposis/hereditary hemorrhagic telangiectasia syndrome (JPHT). Also called: JP/HHT SYNDROME; JUVENILE POLYPOSIS WITH HEREDITARY HEMORRHAGIC TELANGIECTASIA; POLYPOSIS, GENERALIZED JUVENILE, WITH PULMONARY ARTERIOVENOUS MALFORMATION; TELANGIECTASIA, HEREDITARY HEMORRHAGIC, WITH JUVENILE POLYPOSIS COLI; Juvenile Polyposis Syndrome / Hereditary Hemorrhagic Telangiectasia (JPS/HHT). Identifiers: Orphanet 2929, MedGen C1832942, MONDO:0008278, OMIM 175050.

Allele frequency attached by ClinVar (database versions not stated): 1000 Genomes Project 0.00978; 1000 Genomes Project 30x 0.01015; gnomAD 0.01488 and 0.01495; TOPMed 0.01530.
gnomAD v4.1: 3,718 of 226,176 alleles (1.6%); highest among the groups gnomAD compares: Middle Eastern, 5.5%; 39 homozygotes.

Submissions (3):

Illumina Laboratory Services, Illumina
Classification: Benign for Juvenile polyposis/hereditary hemorrhagic telangiectasia syndrome. Last evaluated: 2018-01-13. Review status: criteria provided, single submitter. Criteria: ICSL Variant Classification Criteria 13 December 2019. Collection method: clinical testing. Allele origin: germline.
Comment: This variant was observed in the ICSL laboratory as part of a predisposition screen in an ostensibly healthy population. It had not been previously curated by ICSL or reported in the Human Gene Mutation Database (HGMD: prior to June 1st, 2018), and was therefore a candidate for classification through an automated scoring system. Utilizing variant allele frequency, disease prevalence and penetrance estimates, and inheritance mode, an automated score was calculated to assess if this variant is too frequent to cause the disease. Based on the score and internal cut-off values, a variant classified as benign is not then subjected to further curation. The score for this variant resulted in a classification of benign for this disease.

Illumina Laboratory Services, Illumina
Classification: Benign for Myhre syndrome. Last evaluated: 2018-01-13. Review status: criteria provided, single submitter. Criteria: ICSL Variant Classification Criteria 13 December 2019. Collection method: clinical testing. Allele origin: germline.
Comment: the same text as in the submission from Illumina Laboratory Services, Illumina above.

Illumina Laboratory Services, Illumina
Classification: Benign for Juvenile polyposis syndrome. Last evaluated: 2018-01-13. Review status: criteria provided, single submitter. Criteria: ICSL Variant Classification Criteria 13 December 2019. Collection method: clinical testing. Allele origin: germline.
Comment: the same text as in the submission from Illumina Laboratory Services, Illumina above.

NM_005359.6(SMAD4):c.*5083G>A

Gene: SMAD4 (SMAD family member 4; plus strand). Cytogenetic location: 18q21.2.
Variant type: single nucleotide variant.
Coding change: c.*5083G>A on transcript NM_005359.6 (MANE Select); 5083 bases downstream of the stop codon, G replaced by A.
Molecular consequence: 3 prime UTR variant.
Genome position (GRCh38, 1-based): chr18:51,083,550, G>A. VCF-style: chr18-51083550-G-A. GRCh37 (hg19) VCF-style: chr18-48609920-G-A.
Identifiers: ClinVar variation 327173 (VCV000327173.5), dbSNP rs145596898, ClinGen allele CA10650987.